The following is an entry in ClinVar:

NM_001563.4(IMPG1):c.1100A>G (p.Gln367Arg)

Gene: IMPG1 (interphotoreceptor matrix proteoglycan 1; minus strand). Cytogenetic location: 6q14.1.
Variant type: single nucleotide variant.
Coding change: c.1100A>G on transcript NM_001563.4 (MANE Select); coding-DNA position 1100, A replaced by G.
Protein change: p.Gln367Arg; replaces glutamine 367 with arginine.
Molecular consequence: missense variant.
Genome position (GRCh38, 1-based): chr6:76,005,322, T>C on the plus strand (A>G on the coding strand, the complement: IMPG1 is on the minus strand). VCF-style: chr6-76005322-T-C. GRCh37 (hg19) VCF-style: chr6-76715039-T-C.
Other names: c.866A>G, p.Gln289Arg (NM_001282368.2); short protein forms Q289R, Q367R.
Identifiers: ClinVar variation 936014 (VCV000936014.11), dbSNP rs148845802, ClinGen allele CA3898233.

ClinVar aggregate classification (germline): Conflicting classifications of pathogenicity. Review status: criteria provided, conflicting classifications (1 of 4 stars). 4 submissions from 4 submitters: Uncertain significance (3); Benign (1). Last evaluated 2026-04-13.

Conditions:
Retinal dystrophy. Also called: Inherited retinal dystrophy. Identifiers: Orphanet 71862, MedGen C0854723, MeSH D058499, MONDO:0019118, HP:0000556.
IMPG1-related disorder. Also called: IMPG1-related condition.

Allele frequency attached by ClinVar (database versions not stated): gnomAD 0.00004 and 0.00013; TOPMed 0.00004; gnomAD exomes 0.00005 and 0.00023; ExAC 0.00007; 1000 Genomes Project 30x 0.00094; 1000 Genomes Project 0.00120.
gnomAD v4.1: 362 of 1,614,050 alleles (0.022%); highest among the groups gnomAD compares: East Asian, 0.78%; 4 homozygotes.

Submissions (4):

PreventionGenetics, part of Exact Sciences
Classification: Uncertain significance for IMPG1-related condition. Last evaluated: 2026-04-13. Review status: criteria provided, single submitter. Criteria: ACMG Guidelines, 2015. Collection method: clinical testing. Allele origin: germline.
Comment: The IMPG1 c.1100A>G variant is predicted to result in the amino acid substitution p.Gln367Arg. To our knowledge, this variant has not been reported in the literature. This variant is reported in 0.060% of alleles in individuals of East Asian descent in gnomAD. Although we suspect that this variant may be benign, at this time, the clinical significance of this variant is uncertain due to the absence of conclusive functional and genetic evidence.

Labcorp Genetics (formerly Invitae), Labcorp
Classification: Uncertain significance. Last evaluated: 2025-12-02. Review status: criteria provided, single submitter. Criteria: Invitae Variant Classification Sherloc (09022015). Collection method: clinical testing. Allele origin: germline.
Comment: This sequence change replaces glutamine, which is neutral and polar, with arginine, which is basic and polar, at codon 367 of the IMPG1 protein (p.Gln367Arg). This variant is present in population databases (rs148845802, gnomAD 0.05%). This variant has not been reported in the literature in individuals affected with IMPG1-related conditions. ClinVar contains an entry for this variant (Variation ID: 936014). An algorithm developed to predict the effect of missense changes on protein structure and function (PolyPhen-2) suggests that this variant is likely to be tolerated. In summary, the available evidence is currently insufficient to determine the role of this variant in disease. Therefore, it has been classified as a Variant of Uncertain Significance.

Dept Of Ophthalmology, Nagoya University
Classification: Benign for Retinal dystrophy. Last evaluated: 2023-10-01. Review status: criteria provided, single submitter. Criteria: Submitter's publication. Collection method: research. Allele origin: germline. Affected: yes.

Blueprint Genetics
Classification: Uncertain significance. Last evaluated: 2022-04-06. Review status: criteria provided, single submitter. Criteria: ACMG Guidelines, 2015. Collection method: clinical testing. Allele origin: germline.